The following is an entry in ClinVar:

NM_000235.4(LIPA):c.618dup (p.Ala207fs)

Gene: LIPA (lipase A, lysosomal acid type; minus strand). Cytogenetic location: 10q23.31.
Variant type: Duplication.
Coding change: c.618dup on transcript NM_000235.4 (MANE Select); coding-DNA position 618, one base duplicated (C; older notation c.618dupC).
Protein change: p.Ala207fs; shifts the reading frame from alanine 207.
Molecular consequence: frameshift variant.
Genome position (GRCh38, 1-based): chr10:89,225,149, G duplicated on the plus strand (C on the coding strand, the reverse complement: LIPA is on the minus strand). VCF-style (leftmost placement, unchanged base first): chr10-89225148-C-CG. GRCh37 (hg19) VCF-style: chr10-90984905-C-CG.
Other names: c.618dup, p.Ala207fs (NM_001127605.3); c.270dup, p.Ala91fs (NM_001288979.2); short protein forms A207fs, A91fs.
Identifiers: ClinVar variation 2002860 (VCV002002860.4), dbSNP rs2495584725, ClinGen allele CA2580082260.

ClinVar aggregate classification (germline): Pathogenic (1 of 4 stars; one submission).

Conditions:
Wolman disease (WOLD). Also called: Acid cholesteryl ester hydrolase deficiency, Wolman type; Acid lipase disease; LYSOSOMAL ACID LIPASE DEFICIENCY, ACUTE INFANTILE; LYSOSOMAL ACID LIPASE DEFICIENCY, COMPLETE; LIPA DEFICIENCY, COMPLETE; LAL DEFICIENCY, COMPLETE. Identifiers: Orphanet 75233, MedGen C0043208, MONDO:0019148, OMIM 620151.

Allele frequency attached by ClinVar (database versions not stated): gnomAD exomes below 0.00001.

Submission:

Labcorp Genetics (formerly Invitae), Labcorp
Classification: Pathogenic for Wolman disease. Last evaluated: 2023-11-25. Review status: criteria provided, single submitter. Criteria: Invitae Variant Classification Sherloc (09022015). Collection method: clinical testing. Allele origin: germline.
Comment: This sequence change creates a premature translational stop signal (p.Ala207Argfs*5) in the LIPA gene. It is expected to result in an absent or disrupted protein product. Loss-of-function variants in LIPA are known to be pathogenic (PMID: 23485521). This variant is not present in population databases (gnomAD no frequency). This variant has not been reported in the literature in individuals affected with LIPA-related conditions. ClinVar contains an entry for this variant (Variation ID: 2002860). For these reasons, this variant has been classified as Pathogenic.

Literature cited by the submitters: PubMed 23485521.